The following is an entry in ClinVar:

NM_000128.4(F11):c.1305-2A>T

Gene: F11 (coagulation factor XI; plus strand). Cytogenetic location: 4q35.2.
Variant type: single nucleotide variant.
Coding change: c.1305-2A>T on transcript NM_000128.4 (MANE Select); the canonical splice acceptor site of the intron before coding-DNA position 1305, A replaced by T.
Molecular consequence: splice acceptor variant.
Genome position (GRCh38, 1-based): chr4:186,285,636, A>T. VCF-style: chr4-186285636-A-T. GRCh37 (hg19) VCF-style: chr4-187206790-A-T.
Other names: c.1305-2A>T (NM_001440593.1); c.1257-2A>T (NM_001440590.1, NM_001440596.1); c.1035-2A>T (NM_001440605.1, NM_001440607.1); c.987-2A>T (NM_001440606.1, NM_001440608.1).
Identifiers: ClinVar variation 4817486 (VCV004817486.1).

ClinVar aggregate classification (germline): Likely pathogenic (1 of 4 stars; one submission).

Conditions:
Plasma factor XI deficiency.

gnomAD v4.1: 1 of 1,613,956 alleles (0.000062%); highest among the groups gnomAD compares: Admixed American, 0.0017%; no homozygotes.

Submission:

Natera, Inc.
Classification: Likely pathogenic for Plasma factor XI deficiency. Last evaluated: 2024-03-22. Review status: criteria provided, single submitter. Criteria: Natera Variant Classification Schema (03/2026). Collection method: clinical testing. Allele origin: germline.
Comment: The c.1305-2A>T variant in F11 is a canonical splice acceptor site variant predicted to affect pre-mRNA splicing, which may result in an abnormal transcript and altered protein product. This variant is expected to result in nonsense mediated decay, truncation, or a dysfunctional protein product. This variant is rare in the general population with a frequency below the threshold expected for the associated phenotype(s). Given the available evidence, this variant is classified as Likely Pathogenic.